The following is an entry in ClinVar:

NM_001128225.3(SLC39A13):c.863T>G (p.Leu288Arg)

Gene: SLC39A13 (solute carrier family 39 member 13; plus strand). Cytogenetic location: 11p11.2.
Variant type: single nucleotide variant.
Coding change: c.863T>G on transcript NM_001128225.3 (MANE Select); coding-DNA position 863, T replaced by G.
Protein change: p.Leu288Arg; replaces leucine 288 with arginine.
Molecular consequence: missense variant. On other transcripts: non-coding transcript variant (1).
Genome position (GRCh38, 1-based): chr11:47,414,853, T>G. VCF-style: chr11-47414853-T-G. GRCh37 (hg19) VCF-style: chr11-47436404-T-G.
Other names: c.863T>G, p.Leu288Arg (NM_001330245.2, NM_152264.5); short protein forms L288R.
Identifiers: ClinVar variation 2181284 (VCV002181284.1), dbSNP rs1240980887, ClinGen allele CA380314345.

ClinVar aggregate classification (germline): Uncertain significance (1 of 4 stars; one submission).

Conditions:
Ehlers-Danlos syndrome, spondylodysplastic type, 3. Also called: Ehlers-Danlos syndrome, spondylocheirodysplastic type. Identifiers: Orphanet 157965, MedGen C2676510, MONDO:0012873, OMIM 612350.

Allele frequency attached by ClinVar (database versions not stated): gnomAD 0.00001.

Submission:

Labcorp Genetics (formerly Invitae), Labcorp
Classification: Uncertain significance for Ehlers-Danlos syndrome, spondylodysplastic type, 3. Last evaluated: 2022-03-17. Review status: criteria provided, single submitter. Criteria: Invitae Variant Classification Sherloc (09022015). Collection method: clinical testing. Allele origin: germline.
Comment: This sequence change replaces leucine, which is neutral and non-polar, with arginine, which is basic and polar, at codon 288 of the SLC39A13 protein (p.Leu288Arg). This variant is present in population databases (no rsID available, gnomAD 0.007%). This variant has not been reported in the literature in individuals affected with SLC39A13-related conditions. Algorithms developed to predict the effect of missense changes on protein structure and function are either unavailable or do not agree on the potential impact of this missense change (SIFT: "Tolerated"; PolyPhen-2: "Possibly Damaging"; Align-GVGD: "Class C0"). In summary, the available evidence is currently insufficient to determine the role of this variant in disease. Therefore, it has been classified as a Variant of Uncertain Significance.